The following is an entry in ClinVar:

ClinVar aggregate classification (germline): Uncertain significance (1 of 4 stars; one submission).

gnomAD v4.1: 16 of 1,613,012 alleles (0.00099%); highest among the groups gnomAD compares: Admixed American, 0.005%; no homozygotes.

Submission:

Ambry Genetics
Classification: Uncertain significance. Last evaluated: 2024-11-30. Review status: criteria provided, single submitter. Criteria: Ambry Variant Classification Scheme 2023. Collection method: clinical testing. Allele origin: germline.
Comment: The p.V838M variant (also known as c.2512G>A), located in coding exon 11 of the WNK2 gene, results from a G to A substitution at nucleotide position 2512. The valine at codon 838 is replaced by methionine, an amino acid with highly similar properties. This amino acid position is conserved. In addition, the in silico prediction for this alteration is inconclusive. Based on the available evidence, the clinical significance of this variant remains unclear.

NM_006648.4(WNK2):c.2512G>A (p.Val838Met)

Gene: WNK2 (WNK lysine deficient protein kinase 2; plus strand). Cytogenetic location: 9q22.31.
Variant type: single nucleotide variant.
Coding change: c.2512G>A on transcript NM_006648.4 (MANE Select); coding-DNA position 2512, G replaced by A.
Protein change: p.Val838Met; replaces valine 838 with methionine.
Molecular consequence: missense variant.
Genome position (GRCh38, 1-based): chr9:93,259,060, G>A. VCF-style: chr9-93259060-G-A. GRCh37 (hg19) VCF-style: chr9-96021342-G-A.
Other names: c.2512G>A, p.Val838Met (NM_001282394.3); short protein forms V838M.
Identifiers: ClinVar variation 3470531 (VCV003470531.1).